The following is an entry in ClinVar:

NM_000487.6(ARSA):c.1007T>C (p.Leu336Pro)

Gene: ARSA (arylsulfatase A; minus strand). Cytogenetic location: 22q13.33.
Variant type: single nucleotide variant.
Coding change: c.1007T>C on transcript NM_000487.6 (MANE Select); coding-DNA position 1007, T replaced by C.
Protein change: p.Leu336Pro; replaces leucine 336 with proline.
Molecular consequence: missense variant.
Genome position (GRCh38, 1-based): chr22:50,626,036, A>G on the plus strand (T>C on the coding strand, the complement: ARSA is on the minus strand). VCF-style: chr22-50626036-A-G. GRCh37 (hg19) VCF-style: chr22-51064464-A-G.
Other names: c.1007T>C, p.Leu336Pro (NM_001085425.3, NM_001085426.3, NM_001085427.3); c.749T>C, p.Leu250Pro (NM_001085428.3, NM_001362782.2); short protein forms L250P, L336P.
Identifiers: ClinVar variation 973786 (VCV000973786.4), dbSNP rs2082660121, ClinGen allele CA412172304.
Genomic context (GRCh38, chr22:50,626,036, plus strand): 5'-TCCAAGGTGACATTGGGCAGTGGGGCCCCAGCCAGGGCTGCCAGGGTAGGCAGCAGGTCC[A>G]GGGAGCTGGCCAGCTCGTGGGTCACGCCTGGGGGCAGGAGGCTGGTCAGTCACTCAGTTC-3'
Protein context (NP_000478.3, residues 326-346): PGVTHELASS[Leu336Pro]DLLPTLAALA

ClinVar aggregate classification (germline): Conflicting classifications of pathogenicity. Review status: criteria provided, conflicting classifications (1 of 4 stars). 2 submissions from 2 submitters: Pathogenic (1); Uncertain significance (1). Last evaluated 2025-01-31.

Conditions:
Metachromatic leukodystrophy (MLD). Also called: ARSA DEFICIENCY; CEREBROSIDE SULFATASE DEFICIENCY; Cerebral sclerosis diffuse metachromatic form; SULFATIDE LIPIDOSIS; Arylsulfatase A Deficiency; METACHROMATIC LEUKOENCEPHALOPATHY. Identifiers: Orphanet 512, MedGen C0023522, MONDO:0018868, OMIM 250100.

Submissions (2):

Women's Health and Genetics/Laboratory Corporation of America, LabCorp
Classification: Uncertain significance. Last evaluated: 2025-01-31. Review status: criteria provided, single submitter. Criteria: LabCorp Variant Classification Summary - May 2015. Collection method: clinical testing. Allele origin: germline.
Comment: Variant summary: ARSA c.1007T>C (p.Leu336Pro) results in a non-conservative amino acid change in the encoded protein sequence. Four of four in-silico tools predict a damaging effect of the variant on protein function. The variant was absent in 206990 control chromosomes. The available data on variant occurrences in the general population are insufficient to allow any conclusion about variant significance. c.1007T>C has been reported in the literature in at-least one individual affected with Metachromatic Leukodystrophy (example: Beerepoot_2020). These data do not allow any conclusion about variant significance. To our knowledge, no experimental evidence demonstrating an impact on protein function has been reported. The following publication has been ascertained in the context of this evaluation (PMID: 32632536). ClinVar contains an entry for this variant (Variation ID: 973786). Based on the evidence outlined above, the variant was classified as uncertain significance.

Amsterdam Leukodystrophy Center, Amsterdam UMC
Classification: Pathogenic for Metachromatic leukodystrophy. Last evaluated: 2020-06-24. Review status: criteria provided, single submitter. Criteria: ACMG Guidelines, 2015. Collection method: clinical testing. Allele origin: inherited. Affected: yes.

Literature cited by the submitters: PubMed 32632536 (cited by Women's Health and Genetics/Laboratory Corporation of America, LabCorp and Amsterdam Leukodystrophy Center, Amsterdam UMC).